The following is an entry in ClinVar:

NM_001349253.2(SCN11A):c.188C>T (p.Pro63Leu)

Gene: SCN11A (sodium voltage-gated channel alpha subunit 11; minus strand). Cytogenetic location: 3p22.2.
Variant type: single nucleotide variant.
Coding change: c.188C>T on transcript NM_001349253.2 (MANE Select); coding-DNA position 188, C replaced by T.
Protein change: p.Pro63Leu; replaces proline 63 with leucine.
Molecular consequence: missense variant.
Genome position (GRCh38, 1-based): chr3:38,950,175, G>A on the plus strand (C>T on the coding strand, the complement: SCN11A is on the minus strand). VCF-style: chr3-38950175-G-A. GRCh37 (hg19) VCF-style: chr3-38991666-G-A.
Other names: c.188C>T, p.Pro63Leu (NM_014139.3); c.188C>T (NM_014139.2); short protein forms P63L.
Identifiers: ClinVar variation 1972526 (VCV001972526.6), dbSNP rs2470708410, ClinGen allele CA352176618.
Genomic context (GRCh38, chr3:38,950,175, plus strand): 5'-GGGTCCAAGTCTTCCAGAGGCTTTCCTATGAGCTCACGAGGAATGTCGCCATAGAGCTTG[G>A]GCAACTTCCTGGAGGCCTTTAGGTCAAGCTGAGGCCGAGGCTGGGGTACTTCTCCTGTCT-3'
Protein context (NP_001336182.1, residues 53-73): QLDLKASRKL[Pro63Leu]KLYGDIPREL

ClinVar aggregate classification (germline): Uncertain significance. Review status: criteria provided, multiple submitters, no conflicts (2 of 4 stars). 2 submissions from 2 submitters: Uncertain significance (2). Last evaluated 2025-08-25.

Conditions:
Inborn genetic diseases. Identifiers: MedGen C0950123, MeSH D030342.
Hereditary sensory and autonomic neuropathy type 7. Also called: Neuropathy, hereditary sensory and autonomic, type VII; HSAN VII. Identifiers: Orphanet 391397, MedGen C3809882, MONDO:0014244, OMIM 615548.
Familial episodic pain syndrome with predominantly lower limb involvement. Also called: Episodic pain syndrome, familial, 3. Identifiers: Orphanet 391384, Orphanet 391392, MedGen C3809899, MONDO:0014247, OMIM 615552.

gnomAD v4.1: 10 of 1,612,644 alleles (0.00062%); highest among the groups gnomAD compares: Non-Finnish European, 0.00068%; no homozygotes.

Submissions (2):

Ambry Genetics
Classification: Uncertain significance for Inborn genetic diseases. Last evaluated: 2025-08-25. Review status: criteria provided, single submitter. Criteria: Ambry Variant Classification Scheme 2023. Collection method: clinical testing. Allele origin: germline.

Labcorp Genetics (formerly Invitae), Labcorp
Classification: Uncertain significance for Familial episodic pain syndrome with predominantly lower limb involvement; Hereditary sensory and autonomic neuropathy type 7. Last evaluated: 2024-01-15. Review status: criteria provided, single submitter. Criteria: Invitae Variant Classification Sherloc (09022015). Collection method: clinical testing. Allele origin: germline.
Comment: This sequence change replaces proline, which is neutral and non-polar, with leucine, which is neutral and non-polar, at codon 63 of the SCN11A protein (p.Pro63Leu). This variant is not present in population databases (gnomAD no frequency). This variant has not been reported in the literature in individuals affected with SCN11A-related conditions. ClinVar contains an entry for this variant (Variation ID: 1972526). Advanced modeling of protein sequence and biophysical properties (such as structural, functional, and spatial information, amino acid conservation, physicochemical variation, residue mobility, and thermodynamic stability) performed at Invitae indicates that this missense variant is expected to disrupt SCN11A protein function with a positive predictive value of 80%. In summary, the available evidence is currently insufficient to determine the role of this variant in disease. Therefore, it has been classified as a Variant of Uncertain Significance.